The following is an entry in ClinVar:

ClinVar aggregate classification (germline): Conflicting classifications of pathogenicity. Review status: criteria provided, conflicting classifications (1 of 4 stars). 3 submissions from 3 submitters: Uncertain significance (2); Likely benign (1). Last evaluated 2025-06-23.

Allele frequency attached by ClinVar (database versions not stated): gnomAD exomes below 0.00001; gnomAD 0.00003; 1000 Genomes Project 30x 0.00016; 1000 Genomes Project 0.00020; TOPMed 0.00020.
gnomAD v4.1: 30 of 1,591,746 alleles (0.0019%); highest among the groups gnomAD compares: East Asian, 0.0046%; no homozygotes.

Submissions (3):

Labcorp Genetics (formerly Invitae), Labcorp
Classification: Uncertain significance. Last evaluated: 2025-06-23. Review status: criteria provided, single submitter. Criteria: Invitae Variant Classification Sherloc (09022015). Collection method: clinical testing. Allele origin: germline.
Comment: This sequence change replaces arginine, which is basic and polar, with cysteine, which is neutral and slightly polar, at codon 138 of the KMT2B protein (p.Arg138Cys). The frequency data for this variant in the population databases is considered unreliable, as metrics indicate poor data quality at this position in the gnomAD database. This variant has not been reported in the literature in individuals affected with KMT2B-related conditions. ClinVar contains an entry for this variant (Variation ID: 2715062). Invitae Evidence Modeling of protein sequence and biophysical properties (such as structural, functional, and spatial information, amino acid conservation, physicochemical variation, residue mobility, and thermodynamic stability) indicates that this missense variant is not expected to disrupt KMT2B protein function with a negative predictive value of 80%. In summary, the available evidence is currently insufficient to determine the role of this variant in disease. Therefore, it has been classified as a Variant of Uncertain Significance.

Revvity Omics, Revvity
Classification: Uncertain significance. Last evaluated: 2025-04-04. Review status: criteria provided, single submitter. Criteria: ACMG Guidelines, 2015. Collection method: clinical testing. Allele origin: germline.

Blueprint Genetics
Classification: Likely benign. Last evaluated: 2022-09-23. Review status: criteria provided, single submitter. Criteria: ACMG Guidelines, 2015. Collection method: clinical testing. Allele origin: germline.

NM_014727.3(KMT2B):c.412C>T (p.Arg138Cys)

Gene: KMT2B (lysine methyltransferase 2B; plus strand). Cytogenetic location: 19q13.12.
Variant type: single nucleotide variant.
Coding change: c.412C>T on transcript NM_014727.3 (MANE Select); coding-DNA position 412, C replaced by T.
Protein change: p.Arg138Cys; replaces arginine 138 with cysteine.
Molecular consequence: missense variant.
Genome position (GRCh38, 1-based): chr19:35,719,517, C>T. VCF-style: chr19-35719517-C-T. GRCh37 (hg19) VCF-style: chr19-36210419-C-T.
Other names: c.412C>T (NM_014727.2); short protein forms R138C.
Identifiers: ClinVar variation 2715062 (VCV002715062.5), dbSNP rs567944243, ClinGen allele CA307781686.